The following is an entry in ClinVar:

ClinVar aggregate classification (germline): Benign/Likely benign. Review status: criteria provided, multiple submitters, no conflicts (2 of 4 stars). 4 submissions from 4 submitters: Benign (1); Likely benign (3). Last evaluated 2025-03-08.

Conditions:
Hereditary cancer-predisposing syndrome. Also called: Neoplastic Syndromes, Hereditary; Tumor predisposition; Hereditary neoplastic syndrome; Hereditary Cancer Syndrome. Identifiers: Orphanet 140162, MedGen C0027672, MeSH D009386, MONDO:0015356.
Familial adenomatous polyposis 1 (FAP1). Also called: POLYPOSIS, ADENOMATOUS INTESTINAL; FAMILIAL ADENOMATOUS POLYPOSIS 1, ATTENUATED. Identifiers: MedGen C2713442, MONDO:0021056, OMIM 175100. Disease mechanism: loss of function.

Allele frequency attached by ClinVar (database versions not stated): ExAC 0.00001; gnomAD exomes 0.00001.
gnomAD v4.1: 3 of 1,613,918 alleles (0.00019%); highest among the groups gnomAD compares: Non-Finnish European, 0.00025%; no homozygotes.

Submissions (4):

Ambry Genetics
Classification: Likely benign for Hereditary cancer-predisposing syndrome. Last evaluated: 2025-03-08. Review status: criteria provided, single submitter. Criteria: Ambry Variant Classification Scheme 2023. Collection method: clinical testing. Allele origin: germline.

Center for Genomic Medicine, Rigshospitalet, Copenhagen University Hospital
Classification: Likely benign. Last evaluated: 2025-03-04. Review status: criteria provided, single submitter. Criteria: ACMG Guidelines, 2015. Collection method: clinical testing. Allele origin: germline.

Labcorp Genetics (formerly Invitae), Labcorp
Classification: Likely benign for Familial adenomatous polyposis 1. Last evaluated: 2024-05-09. Review status: criteria provided, single submitter. Criteria: Invitae Variant Classification Sherloc (09022015). Collection method: clinical testing. Allele origin: germline.

Myriad Genetics, Inc.
Classification: Benign for Familial adenomatous polyposis 1. Last evaluated: 2024-04-11. Review status: criteria provided, single submitter. Criteria: Myriad Autosomal Dominant, Autosomal Recessive and X-Linked Classification Criteria (2023). Collection method: clinical testing. Allele origin: unknown.
Comment: This variant is considered benign. This variant is a silent/synonymous amino acid change and it is not expected to impact splicing.

NM_000038.6(APC):c.7914T>A (p.Ala2638=)

Gene: APC (APC regulator of Wnt signaling pathway; plus strand). Cytogenetic location: 5q22.2.
Variant type: single nucleotide variant.
Coding change: c.7914T>A on transcript NM_000038.6 (MANE Select); coding-DNA position 7914, T replaced by A.
Protein change: p.Ala2638=; no amino-acid change (alanine 2638 retained).
Molecular consequence: synonymous variant.
Genome position (GRCh38, 1-based): chr5:112,843,508, T>A. VCF-style: chr5-112843508-T-A. GRCh37 (hg19) VCF-style: chr5-112179205-T-A.
Other names: c.7860T>A, p.Ala2620= (NM_001127511.3); c.7914T>A, p.Ala2638= (NM_001354895.2, NM_001127510.3); c.7968T>A, p.Ala2656= (NM_001354896.2); c.7944T>A, p.Ala2648= (NM_001354897.2); c.7839T>A, p.Ala2613= (NM_001354898.2); c.7830T>A, p.Ala2610= (NM_001354899.2); c.7791T>A, p.Ala2597= (NM_001354900.2); c.7737T>A, p.Ala2579= (NM_001354901.2); and 6 more.
Identifiers: ClinVar variation 1363410 (VCV001363410.10), dbSNP rs758440266, ClinGen allele CA049447.